The following is an entry in ClinVar:

ClinVar aggregate classification (germline): Pathogenic. Review status: criteria provided, multiple submitters, no conflicts (2 of 4 stars). 6 submissions from 6 submitters: Pathogenic (6). Last evaluated 2025-03-04.

Conditions:
DICER1-related tumor predisposition. Also called: DICER1 syndrome; DICER1-related pleuropulmonary blastoma cancer predisposition syndrome. Identifiers: Orphanet 284343, MedGen C3839822, MONDO:0100216.
Hereditary cancer-predisposing syndrome. Also called: Neoplastic Syndromes, Hereditary; Tumor predisposition; Hereditary neoplastic syndrome; Hereditary Cancer Syndrome. Identifiers: Orphanet 140162, MedGen C0027672, MeSH D009386, MONDO:0015356.

Submissions (6):

Center for Genomic Medicine, Rigshospitalet, Copenhagen University Hospital
Classification: Pathogenic. Last evaluated: 2025-03-04. Review status: criteria provided, single submitter. Criteria: ACMG Guidelines, 2015. Collection method: clinical testing. Allele origin: germline.

Labcorp Genetics (formerly Invitae), Labcorp
Classification: Pathogenic for DICER1-related tumor predisposition. Last evaluated: 2024-07-25. Review status: criteria provided, single submitter. Criteria: Invitae Variant Classification Sherloc (09022015). Collection method: clinical testing. Allele origin: germline.
Comment: This sequence change creates a premature translational stop signal (p.Tyr1335*) in the DICER1 gene. It is expected to result in an absent or disrupted protein product. Loss-of-function variants in DICER1 are known to be pathogenic (PMID: 19556464, 21266384). This variant is not present in population databases (gnomAD no frequency). This variant has not been reported in the literature in individuals affected with DICER1-related conditions. ClinVar contains an entry for this variant (Variation ID: 242098). For these reasons, this variant has been classified as Pathogenic.

Institute for Genomic Medicine (IGM) Clinical Laboratory, Nationwide Children's Hospital
Classification: Pathogenic for DICER1-related tumor predisposition. Last evaluated: 2023-11-09. Review status: criteria provided, single submitter. Criteria: ACMG Guidelines, 2015. Collection method: clinical testing. Allele origin: germline.
Comment: This variant is predicted to result in loss of function through nonsense-mediated decay of the encoded transcript or premature truncation of the encoded protein in a gene in which loss of function is a known mechanism of disease (ACMG/AMP: PVS1; PMIDs:19556464, 21266384). This variant has been reported at an elevated frequency in affected individuals/in multiple affected individuals in the literature (ACMG/AMP: PS4_Supporting; PMIDs:24481001, 32371905). This variant is absent from or present at an exceedingly low frequency in gnomAD, a large-scale control population database (ACMG/AMP: PM2).

GeneDx
Classification: Pathogenic. Last evaluated: 2023-06-16. Review status: criteria provided, single submitter. Criteria: GeneDx Variant Classification Process June 2021. Collection method: clinical testing. Allele origin: germline. Affected: yes.
Comment: Nonsense variant predicted to result in protein truncation or nonsense mediated decay in a gene for which loss-of-function is a known mechanism of disease; Not observed at significant frequency in large population cohorts (gnomAD); Has not been previously published as a germline pathogenic or benign variant to our knowledge; This variant is associated with the following publications: (PMID: 24481001, 26628006, 19556464)

Ambry Genetics
Classification: Pathogenic for Hereditary cancer-predisposing syndrome. Last evaluated: 2023-05-11. Review status: criteria provided, single submitter. Criteria: Ambry Variant Classification Scheme 2023. Collection method: clinical testing. Allele origin: germline.
Comment: The c.4004dupA pathogenic mutation, located in coding exon 20 of the DICER1 gene, results from a duplication of A at nucleotide position 4004, causing a translational frameshift with a predicted alternate stop codon (p.Y1335*). This alteration is expected to result in loss of function by premature protein truncation or nonsense-mediated mRNA decay. As such, this alteration is interpreted as a disease-causing mutation.

Foulkes Cancer Genetics LDI, Lady Davis Institute for Medical Research
Classification: Pathogenic for Pleuropulmonary blastoma. Last evaluated: 2019-07-01. Review status: criteria provided, single submitter. Criteria: ACMG Guidelines, 2015. Collection method: curation. Allele origin: germline. Affected: yes. Observed: 1 variant allele.
Comment: ACMG criteria met: PVS1, PM2, PP4

Literature cited by the submitters: PubMed 24481001 (cited by 3 submitters); PubMed 19556464 (cited by Labcorp Genetics (formerly Invitae), Labcorp and Institute for Genomic Medicine (IGM) Clinical Laboratory, Nationwide Children's Hospital); PubMed 21266384 (cited by Labcorp Genetics (formerly Invitae), Labcorp and Institute for Genomic Medicine (IGM) Clinical Laboratory, Nationwide Children's Hospital); PubMed 32371905 (cited by Institute for Genomic Medicine (IGM) Clinical Laboratory, Nationwide Children's Hospital and Ambry Genetics).

NM_177438.3(DICER1):c.4004dup (p.Tyr1335Ter)

Gene: DICER1 (dicer 1, ribonuclease III; minus strand). Cytogenetic location: 14q32.13.
Variant type: Duplication.
Coding change: c.4004dup on transcript NM_177438.3 (MANE Select); coding-DNA position 4004, one base duplicated (A; older notation c.4004dupA).
Protein change: p.Tyr1335Ter; replaces tyrosine 1335 with a stop codon.
Molecular consequence: nonsense.
Genome position (GRCh38, 1-based): chr14:95,103,392, T duplicated on the plus strand (A on the coding strand, the reverse complement: DICER1 is on the minus strand). VCF-style (leftmost placement, unchanged base first): chr14-95103391-G-GT. GRCh37 (hg19) VCF-style: chr14-95569728-G-GT.
Other names: c.4004dupA (NM_177438.3, NM_177438.2); c.4004dup, p.Tyr1335Ter (NM_001195573.1, NM_001271282.3, NM_001291628.2 and 1 more transcripts); short protein forms Y1335*.
Identifiers: ClinVar variation 242098 (VCV000242098.22), dbSNP rs878855262, ClinGen allele CA10583199.
Genomic context (GRCh38, chr14:95,103,391, plus strand): 5'-AAAATCATCTCTTACCTTTTTGCTTCTCATATATGAAAGGCGGCCCTCATGCGCATCAGG[G>GT]TAAGTGCAAAATAGATATGTGGTGATGGCATGCTTTAAAAAGGAGTCGCCAAGCATTTCA-3'